The following is an entry in ClinVar:

ClinVar aggregate classification (germline): Uncertain significance (1 of 4 stars; one submission).

Conditions:
Inborn genetic diseases. Identifiers: MedGen C0950123, MeSH D030342.

Submission:

Ambry Genetics
Classification: Uncertain significance for Inborn genetic diseases. Last evaluated: 2026-06-14. Review status: criteria provided, single submitter. Criteria: Ambry Variant Classification Scheme 2023. Collection method: clinical testing. Allele origin: germline.
Comment: The p.L338V variant (also known as c.1012C>G), located in coding exon 7 of the MIB1 gene, results from a C to G substitution at nucleotide position 1012. The leucine at codon 338 is replaced by valine, an amino acid with highly similar properties. This amino acid position is conserved. In addition, this alteration is predicted to be tolerated by in silico analysis. Based on the available evidence, the clinical significance of this variant remains unclear.

NM_020774.4(MIB1):c.1012C>G (p.Leu338Val)

Gene: MIB1 (MIB E3 ubiquitin protein ligase 1; plus strand). Cytogenetic location: 18q11.2.
Variant type: single nucleotide variant.
Coding change: c.1012C>G on transcript NM_020774.4 (MANE Select); coding-DNA position 1012, C replaced by G.
Protein change: p.Leu338Val; replaces leucine 338 with valine.
Molecular consequence: missense variant.
Genome position (GRCh38, 1-based): chr18:21,791,477, C>G. VCF-style: chr18-21791477-C-G. GRCh37 (hg19) VCF-style: chr18-19371438-C-G.
Other names: short protein forms L338V.
Identifiers: ClinVar variation 4860019 (VCV004860019.1).
Genomic context (GRCh38, chr18:21,791,477, plus strand): 5'-CGAAGTGGAGATGCTGCTCAGGGTGCAGAAGGAGGCACCTCGCAGTTTCAAGTGGGTGAT[C>G]TTGTACAAGTTTGTTATGACCTGGAACGAATTAAACTTCTACAAAGAGGACATGGAGAAT-3'
Protein context (NP_065825.1, residues 328-348): GGTSQFQVGD[Leu338Val]VQVCYDLERI